The following is an entry in ClinVar:

ClinVar aggregate classification (germline): Likely pathogenic (0 of 4 stars; one submission).

Conditions:
ARMC5-related disorder. Also called: ARMC5-related condition.

Submission:

PreventionGenetics, part of Exact Sciences
Classification: Likely pathogenic for ARMC5-related condition. Last evaluated: 2024-07-10. Review status: no assertion criteria provided. Collection method: clinical testing. Allele origin: germline.
Comment: The ARMC5 c.2284A>T variant is predicted to result in premature protein termination (p.Lys762*). To our knowledge, this variant has not been reported in the literature or in a large population database, indicating this variant is rare. Nonsense variants in ARMC5 are expected to be pathogenic. This variant is interpreted as likely pathogenic.

NM_001105247.2(ARMC5):c.1999A>T (p.Lys667Ter)

Gene: ARMC5 (armadillo repeat containing 5; plus strand). Cytogenetic location: 16p11.2.
Variant type: single nucleotide variant.
Coding change: c.1999A>T on transcript NM_001105247.2 (MANE Select); coding-DNA position 1999, A replaced by T.
Protein change: p.Lys667Ter; replaces lysine 667 with a stop codon.
Molecular consequence: nonsense. On other transcripts: 3 prime UTR variant (1).
Genome position (GRCh38, 1-based): chr16:31,466,080, A>T. VCF-style: chr16-31466080-A-T. GRCh37 (hg19) VCF-style: chr16-31477401-A-T.
Other names: c.2284A>T, p.Lys762Ter (NM_001288767.2); c.2095A>T, p.Lys699Ter (NM_001301820.1); c.*879A>T (NM_024742.2); short protein forms K667*, K699*, K762*.
Identifiers: ClinVar variation 3346812 (VCV003346812.1).